The following is an entry in ClinVar:

ClinVar aggregate classification (germline): Pathogenic/Likely pathogenic. Review status: criteria provided, multiple submitters, no conflicts (2 of 4 stars). 2 submissions from 2 submitters: Pathogenic (1); Likely pathogenic (1). Last evaluated 2024-07-02.

Allele frequency attached by ClinVar (database versions not stated): gnomAD exomes below 0.00001.
gnomAD v4.1: 2 of 1,614,092 alleles (0.00012%); highest among the groups gnomAD compares: East Asian, 0.0022%; no homozygotes.

Submissions (2):

Labcorp Genetics (formerly Invitae), Labcorp
Classification: Likely pathogenic. Last evaluated: 2024-07-02. Review status: criteria provided, single submitter. Criteria: Invitae Variant Classification Sherloc (09022015). Collection method: clinical testing. Allele origin: germline.
Comment: This sequence change affects a donor splice site in intron 47 of the COL7A1 gene. It is expected to disrupt RNA splicing. Variants that disrupt the donor or acceptor splice site typically lead to a loss of protein function (PMID: 16199547), and loss-of-function variants in COL7A1 are known to be pathogenic (PMID: 16971478). This variant is present in population databases (no rsID available, gnomAD 0.006%). Disruption of this splice site has been observed in individual(s) with autosomal dominant dystrophic epidermolysis bullosa (PMID: 22515571). It has also been observed to segregate with disease in related individuals. ClinVar contains an entry for this variant (Variation ID: 1198804). Algorithms developed to predict the effect of sequence changes on RNA splicing suggest that this variant may disrupt the consensus splice site. In summary, the currently available evidence indicates that the variant is pathogenic, but additional data are needed to prove that conclusively. Therefore, this variant has been classified as Likely Pathogenic.

GeneDx
Classification: Pathogenic. Last evaluated: 2022-04-07. Review status: criteria provided, single submitter. Criteria: GeneDx Variant Classification Process June 2021. Collection method: clinical testing. Allele origin: germline. Affected: yes.
Comment: Identified as a single heterozygous variant in several affected individuals from multiple generations of a single family with either dystrophic epidermolysis bullosa or epidermolysis bullosa pruriginosa, although at least one unaffected family member was reported to harbor the variant, suggesting autosomal dominant inheritance with reduced penetrance (Yang et al., 2012); Canonical splice site variant expected to result in aberrant splicing and in-frame skipping of exon 47, although in the absence of functional evidence the actual effect of this sequence change is unknown.; Not observed at a significant frequency in large population cohorts (gnomAD); This variant is associated with the following publications: (PMID: 22515571)

Literature cited by the submitters: PubMed 16199547 (cited by Labcorp Genetics (formerly Invitae), Labcorp); PubMed 16971478 (cited by Labcorp Genetics (formerly Invitae), Labcorp); PubMed 22515571 (cited by Labcorp Genetics (formerly Invitae), Labcorp).

NM_000094.4(COL7A1):c.4668+1G>A

Gene: COL7A1 (collagen type VII alpha 1 chain; minus strand). Cytogenetic location: 3p21.31.
Variant type: single nucleotide variant.
Coding change: c.4668+1G>A on transcript NM_000094.4 (MANE Select); the canonical splice donor site of the intron after coding-DNA position 4668, G replaced by A.
Molecular consequence: splice donor variant.
Genome position (GRCh38, 1-based): chr3:48,581,910, C>T on the plus strand (G>A on the coding strand, the complement: COL7A1 is on the minus strand). VCF-style: chr3-48581910-C-T. GRCh37 (hg19) VCF-style: chr3-48619343-C-T.
Identifiers: ClinVar variation 1198804 (VCV001198804.6), dbSNP rs1317431984, ClinGen allele CA352686257.
Genomic context (GRCh38, chr3:48,581,910, plus strand): 5'-AGGCCCTATGACCTAGACCTCAACCCTGTAGAAACCTCCCCTTGCCCCATACCAGGCTTA[C>T]CTTTTCTCCTTTGGGTCCAGCAACAGCAGGTCCCTGAAAACAAACAGGACAGATACAGCT-3'